The following is an entry in ClinVar:

ClinVar aggregate classification (germline): Conflicting classifications of pathogenicity. Review status: criteria provided, conflicting classifications (1 of 4 stars). 5 submissions from 5 submitters: Uncertain significance (2); Likely benign (1). 2 of the submissions do not count toward it. Last evaluated 2024-10-21.

Allele frequency attached by ClinVar (database versions not stated): ESP Exome Variant Server 0.00023; gnomAD exomes 0.00029; ExAC 0.00032; TOPMed 0.00034; gnomAD 0.00036.

Submissions (5):

Blueprint Genetics
Classification: Likely benign. Last evaluated: 2024-10-21. Review status: criteria provided, single submitter. Criteria: ACMG Guidelines, 2015. Collection method: clinical testing. Allele origin: germline.

Labcorp Genetics (formerly Invitae), Labcorp
Classification: Uncertain significance. Last evaluated: 2024-01-22. Review status: criteria provided, single submitter. Criteria: Invitae Variant Classification Sherloc (09022015). Collection method: clinical testing. Allele origin: germline.
Comment: This sequence change replaces lysine, which is basic and polar, with asparagine, which is neutral and polar, at codon 42 of the RGS9BP protein (p.Lys42Asn). This variant is present in population databases (rs377440458, gnomAD 0.05%). This variant has not been reported in the literature in individuals affected with RGS9BP-related conditions. ClinVar contains an entry for this variant (Variation ID: 596151). Algorithms developed to predict the effect of missense changes on protein structure and function output the following: SIFT: "Not Available"; PolyPhen-2: "Benign"; Align-GVGD: "Not Available". The asparagine amino acid residue is found in multiple mammalian species, which suggests that this missense change does not adversely affect protein function. In summary, the available evidence is currently insufficient to determine the role of this variant in disease. Therefore, it has been classified as a Variant of Uncertain Significance.

Eurofins Ntd Llc (ga)
Classification: Uncertain significance. Last evaluated: 2018-02-20. Review status: criteria provided, single submitter. Criteria: EGL ClinVar v180209 classification definitions. Collection method: clinical testing. Allele origin: germline. Observed: 1 variant allele, 1 heterozygote.

Clinical Genetics DNA and cytogenetics Diagnostics Lab, Erasmus MC, Erasmus Medical Center
Classification: Uncertain significance. Review status: no assertion criteria provided. Collection method: clinical testing. Allele origin: germline. Affected: yes. Study: VKGL Data-share Consensus. Not counted in ClinVar's aggregate classification.

Clinical Genetics, Academic Medical Center
Classification: Uncertain significance. Review status: no assertion criteria provided. Collection method: clinical testing. Allele origin: germline. Affected: yes. Study: VKGL Data-share Consensus. Not counted in ClinVar's aggregate classification.

NM_207391.3(RGS9BP):c.126G>C (p.Lys42Asn)

Gene: RGS9BP (regulator of G protein signaling 9 binding protein; plus strand). Cytogenetic location: 19q13.11.
Variant type: single nucleotide variant.
Coding change: c.126G>C on transcript NM_207391.3 (MANE Select); coding-DNA position 126, G replaced by C.
Protein change: p.Lys42Asn; replaces lysine 42 with asparagine.
Molecular consequence: missense variant.
Genome position (GRCh38, 1-based): chr19:32,676,389, G>C. VCF-style: chr19-32676389-G-C. GRCh37 (hg19) VCF-style: chr19-33167295-G-C.
Other names: short protein forms K42N.
Identifiers: ClinVar variation 596151 (VCV000596151.14), dbSNP rs377440458, ClinGen allele CA9357502.